The following is an entry in ClinVar:

ClinVar aggregate classification (germline): Uncertain significance. Review status: criteria provided, multiple submitters, no conflicts (2 of 4 stars). 2 submissions from 2 submitters: Uncertain significance (2). Last evaluated 2022-08-05.

Allele frequency attached by ClinVar (database versions not stated): TOPMed 0.00004.
gnomAD v4.1: 35 of 1,613,814 alleles (0.0022%); highest among the groups gnomAD compares: Admixed American, 0.017%; no homozygotes.

Submissions (2):

Labcorp Genetics (formerly Invitae), Labcorp
Classification: Uncertain significance. Last evaluated: 2022-08-05. Review status: criteria provided, single submitter. Criteria: Invitae Variant Classification Sherloc (09022015). Collection method: clinical testing. Allele origin: germline.
Comment: This sequence change replaces valine, which is neutral and non-polar, with leucine, which is neutral and non-polar, at codon 2135 of the MYO15A protein (p.Val2135Leu). This variant is present in population databases (rs374716848, gnomAD 0.009%). This missense change has been observed in individual(s) with MYO15A-related conditions (PMID: 31997689). ClinVar contains an entry for this variant (Variation ID: 218732). Advanced modeling of protein sequence and biophysical properties (such as structural, functional, and spatial information, amino acid conservation, physicochemical variation, residue mobility, and thermodynamic stability) performed at Invitae indicates that this missense variant is not expected to disrupt MYO15A protein function. Algorithms developed to predict the effect of sequence changes on RNA splicing suggest that this variant may disrupt the consensus splice site. In summary, the available evidence is currently insufficient to determine the role of this variant in disease. Therefore, it has been classified as a Variant of Uncertain Significance.

Genomic Diagnostic Laboratory, Division of Genomic Diagnostics, Children's Hospital of Philadelphia
Classification: Uncertain significance. Last evaluated: 2015-02-05. Review status: criteria provided, single submitter. Criteria: DGD Variant Analysis Guidelines. Collection method: clinical testing. Allele origin: unknown.

Literature cited by the submitters: PubMed 31997689 (cited by Labcorp Genetics (formerly Invitae), Labcorp).

NM_016239.4(MYO15A):c.6403G>T (p.Val2135Leu)

Gene: MYO15A (myosin XVA; plus strand). Cytogenetic location: 17p11.2.
Variant type: single nucleotide variant.
Coding change: c.6403G>T on transcript NM_016239.4 (MANE Select); coding-DNA position 6403, G replaced by T.
Protein change: p.Val2135Leu; replaces valine 2135 with leucine.
Molecular consequence: missense variant.
Genome position (GRCh38, 1-based): chr17:18,146,001, G>T. VCF-style: chr17-18146001-G-T. GRCh37 (hg19) VCF-style: chr17-18049315-G-T.
Other names: short protein forms V2135L.
Identifiers: ClinVar variation 218732 (VCV000218732.4), dbSNP rs374716848, ClinGen allele CA249421.